The following is an entry in ClinVar:

ClinVar aggregate classification (germline): Conflicting classifications of pathogenicity. Review status: criteria provided, conflicting classifications (1 of 4 stars). 5 submissions from 5 submitters: Uncertain significance (3); Likely benign (1). 1 of the submissions does not count toward it. Last evaluated 2025-11-10.

Conditions:
Alstrom syndrome (ALMS). Identifiers: Orphanet 64, MedGen C0268425, MONDO:0008763, OMIM 203800.
Cardiovascular phenotype. Identifiers: MedGen CN230736.

Allele frequency attached by ClinVar (database versions not stated): gnomAD exomes below 0.00001 and 0.00002; TOPMed 0.00005.
gnomAD v4.1: 24 of 1,613,956 alleles (0.0015%); highest among the groups gnomAD compares: African/African-American, 0.011%; no homozygotes.

Submissions (5):

Ambry Genetics
Classification: Likely benign for Cardiovascular phenotype. Last evaluated: 2025-11-10. Review status: criteria provided, single submitter. Criteria: Ambry Variant Classification Scheme 2023. Collection method: clinical testing. Allele origin: germline.

GeneDx
Classification: Uncertain significance. Last evaluated: 2025-06-09. Review status: criteria provided, single submitter. Criteria: GeneDx Variant Classification Process June 2021. Collection method: clinical testing. Allele origin: germline. Affected: yes.
Comment: Not observed at significant frequency in large population cohorts (gnomAD); In silico analysis supports that this missense variant has a deleterious effect on protein structure/function; Has not been previously published as pathogenic or benign to our knowledge

Labcorp Genetics (formerly Invitae), Labcorp
Classification: Uncertain significance for Alstrom syndrome. Last evaluated: 2022-07-03. Review status: criteria provided, single submitter. Criteria: Invitae Variant Classification Sherloc (09022015). Collection method: clinical testing. Allele origin: germline.
Comment: This sequence change replaces arginine, which is basic and polar, with tryptophan, which is neutral and slightly polar, at codon 1930 of the ALMS1 protein (p.Arg1930Trp). This variant is present in population databases (no rsID available, gnomAD 0.0009%). This variant has not been reported in the literature in individuals affected with ALMS1-related conditions. ClinVar contains an entry for this variant (Variation ID: 1047667). Experimental studies and prediction algorithms are not available or were not evaluated, and the functional significance of this variant is currently unknown. In summary, the available evidence is currently insufficient to determine the role of this variant in disease. Therefore, it has been classified as a Variant of Uncertain Significance.

New York Genome Center
Classification: Uncertain significance for Alstrom syndrome. Last evaluated: 2022-04-11. Review status: criteria provided, single submitter. Criteria: NYGC Assertion Criteria 2020. Collection method: clinical testing. Allele origin: germline. Observed: 1 heterozygote.

Natera, Inc.
Classification: Uncertain significance for Alstrom syndrome. Last evaluated: 2021-04-08. Review status: no assertion criteria provided. Collection method: clinical testing. Allele origin: germline. Not counted in ClinVar's aggregate classification.

NM_001378454.1(ALMS1):c.5785C>T (p.Arg1929Trp)

Gene: ALMS1 (ALMS1 centrosome and basal body associated protein; plus strand). Cytogenetic location: 2p13.1.
Variant type: single nucleotide variant.
Coding change: c.5785C>T on transcript NM_001378454.1 (MANE Select); coding-DNA position 5785, C replaced by T.
Protein change: p.Arg1929Trp; replaces arginine 1929 with tryptophan.
Molecular consequence: missense variant.
Genome position (GRCh38, 1-based): chr2:73,452,312, C>T. VCF-style: chr2-73452312-C-T. GRCh37 (hg19) VCF-style: chr2-73679439-C-T.
Other names: c.5788C>T, p.Arg1930Trp (NM_015120.4); short protein forms R1929W, R1930W.
Identifiers: ClinVar variation 1047667 (VCV001047667.12), dbSNP rs938557636, ClinGen allele CA50397040.